The following is an entry in ClinVar:

NM_000093.5(COL5A1):c.3317G>A (p.Arg1106Lys)

Gene: COL5A1 (collagen type V alpha 1 chain; plus strand). Cytogenetic location: 9q34.3.
Variant type: single nucleotide variant.
Coding change: c.3317G>A on transcript NM_000093.5 (MANE Select); coding-DNA position 3317, G replaced by A.
Protein change: p.Arg1106Lys; replaces arginine 1106 with lysine.
Molecular consequence: missense variant.
Genome position (GRCh38, 1-based): chr9:134,806,247, G>A. VCF-style: chr9-134806247-G-A. GRCh37 (hg19) VCF-style: chr9-137698093-G-A.
Other names: c.3317G>A, p.Arg1106Lys (NM_001278074.1); short protein forms R1106K.
Identifiers: ClinVar variation 969601 (VCV000969601.11), dbSNP rs1838292501, ClinGen allele CA375451727.

ClinVar aggregate classification (germline): Uncertain significance (1 of 4 stars; one submission).

Conditions:
Ehlers-Danlos syndrome, classic type, 1 (EDSCL1). Also called: EHLERS-DANLOS SYNDROME, GRAVIS TYPE; EHLERS-DANLOS SYNDROME, SEVERE CLASSIC TYPE; EDS I; Ehlers-Danlos Syndrome, Classic Type, COL5A1-Related; Ehlers-Danlos syndrome, type 1. Identifiers: MedGen C0268335, MONDO:0019567, OMIM 130000.

Allele frequency attached by ClinVar (database versions not stated): gnomAD exomes below 0.00001.
gnomAD v4.1: 2 of 1,550,338 alleles (0.00013%); highest among the groups gnomAD compares: Non-Finnish European, 0.00017%; no homozygotes.

Submission:

Labcorp Genetics (formerly Invitae), Labcorp
Classification: Uncertain significance for Ehlers-Danlos syndrome, classic type, 1. Last evaluated: 2022-09-06. Review status: criteria provided, single submitter. Criteria: Invitae Variant Classification Sherloc (09022015). Collection method: clinical testing. Allele origin: germline.
Comment: This sequence change replaces arginine, which is basic and polar, with lysine, which is basic and polar, at codon 1106 of the COL5A1 protein (p.Arg1106Lys). This variant is not present in population databases (gnomAD no frequency). This variant has not been reported in the literature in individuals affected with COL5A1-related conditions. ClinVar contains an entry for this variant (Variation ID: 969601). Advanced modeling of protein sequence and biophysical properties (such as structural, functional, and spatial information, amino acid conservation, physicochemical variation, residue mobility, and thermodynamic stability) performed at Invitae indicates that this missense variant is not expected to disrupt COL5A1 protein function. In summary, the available evidence is currently insufficient to determine the role of this variant in disease. Therefore, it has been classified as a Variant of Uncertain Significance.